The following is an entry in ClinVar:

NM_000642.3(AGL):c.2905T>C (p.Tyr969His)

Gene: AGL (amylo-alpha-1,6-glucosidase and 4-alpha-glucanotransferase; plus strand). Cytogenetic location: 1p21.2.
Variant type: single nucleotide variant.
Coding change: c.2905T>C on transcript NM_000642.3 (MANE Select); coding-DNA position 2905, T replaced by C.
Protein change: p.Tyr969His; replaces tyrosine 969 with histidine.
Molecular consequence: missense variant.
Genome position (GRCh38, 1-based): chr1:99,891,312, T>C. VCF-style: chr1-99891312-T-C. GRCh37 (hg19) VCF-style: chr1-100356868-T-C.
Other names: c.2905T>C, p.Tyr969His (NM_000028.3, NM_001425325.1, NM_000643.3 and 1 more transcripts); c.2884T>C, p.Tyr962His (NM_001425326.1); c.2857T>C, p.Tyr953His (NM_000646.3); c.2704T>C, p.Tyr902His (NM_001425327.1); c.2701T>C, p.Tyr901His (NM_001425328.1); c.2566T>C, p.Tyr856His (NM_001425329.1); c.2527T>C, p.Tyr843His (NM_001425332.1); short protein forms Y969H, Y953H, Y843H, Y856H, Y901H, Y902H, Y962H.
Identifiers: ClinVar variation 874136 (VCV000874136.9), dbSNP rs1336583652, ClinGen allele CA341325234.

ClinVar aggregate classification (germline): Uncertain significance. Review status: criteria provided, multiple submitters, no conflicts (2 of 4 stars). 4 submissions from 4 submitters: Uncertain significance (4). Last evaluated 2024-10-15.

Conditions:
Glycogen storage disease type III (GSD3). Also called: FORBES DISEASE; Cori disease. Identifiers: Orphanet 366, MedGen C0017922, MONDO:0009291, OMIM 232400.

Allele frequency attached by ClinVar (database versions not stated): gnomAD exomes below 0.00001; gnomAD 0.00001; TOPMed 0.00001.
gnomAD v4.1: 5 of 1,613,688 alleles (0.00031%); highest among the groups gnomAD compares: Non-Finnish European, 0.00042%; no homozygotes.

Submissions (4):

Labcorp Genetics (formerly Invitae), Labcorp
Classification: Uncertain significance for Glycogen storage disease type III. Last evaluated: 2024-10-15. Review status: criteria provided, single submitter. Criteria: Invitae Variant Classification Sherloc (09022015). Collection method: clinical testing. Allele origin: germline.
Comment: This sequence change replaces tyrosine, which is neutral and polar, with histidine, which is basic and polar, at codon 969 of the AGL protein (p.Tyr969His). This variant is present in population databases (no rsID available, gnomAD 0.002%). This variant has not been reported in the literature in individuals affected with AGL-related conditions. ClinVar contains an entry for this variant (Variation ID: 874136). Invitae Evidence Modeling of protein sequence and biophysical properties (such as structural, functional, and spatial information, amino acid conservation, physicochemical variation, residue mobility, and thermodynamic stability) indicates that this missense variant is expected to disrupt AGL protein function with a positive predictive value of 80%. In summary, the available evidence is currently insufficient to determine the role of this variant in disease. Therefore, it has been classified as a Variant of Uncertain Significance.

Genome-Nilou Lab
Classification: Uncertain significance for Glycogen storage disease type III. Last evaluated: 2023-04-11. Review status: criteria provided, single submitter. Criteria: ACMG Guidelines, 2015. Collection method: clinical testing. Allele origin: germline. Affected: no.

Blueprint Genetics
Classification: Uncertain significance. Last evaluated: 2021-09-06. Review status: criteria provided, single submitter. Criteria: ACMG Guidelines, 2015. Collection method: clinical testing. Allele origin: germline.

Illumina Laboratory Services, Illumina
Classification: Uncertain significance for Glycogen storage disease type III. Last evaluated: 2018-01-12. Review status: criteria provided, single submitter. Criteria: ICSL Variant Classification Criteria 13 December 2019. Collection method: clinical testing. Allele origin: germline.